The following is an entry in ClinVar:

NM_006343.3(MERTK):c.21G>A (p.Pro7=)

Gene: MERTK (MER proto-oncogene, tyrosine kinase; plus strand). Cytogenetic location: 2q13.
Variant type: single nucleotide variant.
Coding change: c.21G>A on transcript NM_006343.3 (MANE Select); coding-DNA position 21, G replaced by A.
Protein change: p.Pro7=; no amino-acid change (proline 7 retained).
Molecular consequence: synonymous variant.
Genome position (GRCh38, 1-based): chr2:111,898,756, G>A. VCF-style: chr2-111898756-G-A. GRCh37 (hg19) VCF-style: chr2-112656333-G-A.
Identifiers: ClinVar variation 4986411 (VCV004986411.1).

ClinVar aggregate classification (germline): Likely benign (1 of 4 stars; one submission).

Conditions:
MERTK-related disorder. Also called: MERTK-related condition.

gnomAD v4.1: 4 of 1,605,438 alleles (0.00025%); highest among the groups gnomAD compares: East Asian, 0.0022%; no homozygotes.

Submission:

PreventionGenetics, part of Exact Sciences
Classification: Likely benign for MERTK-related condition. Last evaluated: 2026-09-11. Review status: criteria provided, single submitter. Criteria: ACMG Guidelines, 2015. Collection method: clinical testing. Allele origin: germline.
Comment: This variant is classified as likely benign based on ACMG/AMP sequence variant interpretation guidelines (Richards et al. 2015 PMID: 25741868, with internal and published modifications).